The following is an entry in ClinVar:

NM_016599.5(MYOZ2):c.39G>A (p.Gln13=)

Gene: MYOZ2 (myozenin 2; plus strand). Cytogenetic location: 4q26.
Variant type: single nucleotide variant.
Coding change: c.39G>A on transcript NM_016599.5 (MANE Select); coding-DNA position 39, G replaced by A.
Protein change: p.Gln13=; no amino-acid change (glutamine 13 retained).
Molecular consequence: synonymous variant.
Genome position (GRCh38, 1-based): chr4:119,136,564, G>A. VCF-style: chr4-119136564-G-A. GRCh37 (hg19) VCF-style: chr4-120057719-G-A.
Identifiers: ClinVar variation 227711 (VCV000227711.20), dbSNP rs145688699, ClinGen allele CA3058522.

ClinVar aggregate classification (germline): Benign/Likely benign. Review status: criteria provided, multiple submitters, no conflicts (2 of 4 stars). 8 submissions from 8 submitters: Benign (2); Likely benign (4). 2 of the submissions do not count toward it. Last evaluated 2025-12-16.

Conditions:
MYOZ2-related disorder. Also called: MYOZ2-related condition.
Cardiovascular phenotype. Identifiers: MedGen CN230736.
Hypertrophic cardiomyopathy 16. Identifiers: MedGen C3151204, MONDO:0013455, OMIM 613838.
Hypertrophic cardiomyopathy. Also called: HYPERTROPHIC MYOCARDIOPATHY. Identifiers: Orphanet 217569, MedGen C0007194, MeSH D002312, MONDO:0005045, HP:0001639.

Allele frequency attached by ClinVar (database versions not stated): gnomAD 0.00024; TOPMed 0.00026; ESP Exome Variant Server 0.00038; 1000 Genomes Project 0.00060; 1000 Genomes Project 30x 0.00062.
gnomAD v4.1: 67 of 1,613,600 alleles (0.0042%); highest among the groups gnomAD compares: African/African-American, 0.085%; no homozygotes.

Submissions (8):

Labcorp Genetics (formerly Invitae), Labcorp
Classification: Benign for Hypertrophic cardiomyopathy. Last evaluated: 2025-12-16. Review status: criteria provided, single submitter. Criteria: Invitae Variant Classification Sherloc (09022015). Collection method: clinical testing. Allele origin: germline.

PreventionGenetics, part of Exact Sciences
Classification: Likely benign for MYOZ2-related condition. Last evaluated: 2025-06-19. Review status: criteria provided, single submitter. Criteria: ACMG Guidelines, 2015. Collection method: clinical testing. Allele origin: germline.
Comment: This variant is classified as likely benign based on ACMG/AMP sequence variant interpretation guidelines (Richards et al. 2015 PMID: 25741868, with internal and published modifications).

Clinical Genetics DNA and cytogenetics Diagnostics Lab, Erasmus MC, Erasmus Medical Center
Classification: Likely benign for Hypertrophic cardiomyopathy 16. Last evaluated: 2017-07-12. Review status: criteria provided, single submitter. Criteria: ACGS Guidelines, 2013. Collection method: clinical testing. Allele origin: germline. Affected: yes. Study: VKGL Data-share Consensus.

Ambry Genetics
Classification: Likely benign for Cardiovascular phenotype. Last evaluated: 2016-06-27. Review status: criteria provided, single submitter. Criteria: Ambry Variant Classification Scheme 2023. Collection method: clinical testing. Allele origin: germline.

Laboratory for Molecular Medicine, Mass General Brigham Personalized Medicine
Classification: Likely benign. Last evaluated: 2016-03-15. Review status: criteria provided, single submitter. Criteria: LMM Criteria. Collection method: clinical testing. Allele origin: germline. Observed: 1 variant allele.
Comment: p.Gln13Gln in exon 2 of MYOZ2: This variant is not expected to have clinical sig nificance because it does not alter an amino acid residue and is not located wit hin the splice consensus sequence. It has been identified in 0.1% (15/10230) of African chromosomes by the Exome Aggregation Consortium (ExAC; dbSNP rs145688699).

GeneDx
Classification: Benign. Last evaluated: 2015-04-30. Review status: criteria provided, single submitter. Criteria: GeneDx Variant Classification (06012015). Collection method: clinical testing. Allele origin: germline. Affected: yes.
Comment: This variant is considered likely benign or benign based on one or more of the following criteria: it is a conservative change, it occurs at a poorly conserved position in the protein, it is predicted to be benign by multiple in silico algorithms, and/or has population frequency not consistent with disease.

Clinical Genetics, Academic Medical Center
Classification: Benign. Review status: no assertion criteria provided. Collection method: clinical testing. Allele origin: germline. Affected: yes. Study: VKGL Data-share Consensus. Not counted in ClinVar's aggregate classification.

Genome Diagnostics Laboratory, University Medical Center Utrecht
Classification: Likely benign. Review status: no assertion criteria provided. Collection method: clinical testing. Allele origin: germline. Affected: yes. Study: VKGL Data-share Consensus. Not counted in ClinVar's aggregate classification.